The following is an entry in ClinVar:

NM_004329.3(BMPR1A):c.640C>A (p.Gln214Lys)

Gene: BMPR1A (bone morphogenetic protein receptor type 1A; plus strand). Cytogenetic location: 10q23.2.
Variant type: single nucleotide variant.
Coding change: c.640C>A on transcript NM_004329.3 (MANE Select); coding-DNA position 640, C replaced by A.
Protein change: p.Gln214Lys; replaces glutamine 214 with lysine.
Molecular consequence: missense variant.
Genome position (GRCh38, 1-based): chr10:86,912,349, C>A. VCF-style: chr10-86912349-C-A. GRCh37 (hg19) VCF-style: chr10-88672106-C-A.
Other names: short protein forms Q214K.
Identifiers: ClinVar variation 491007 (VCV000491007.24), dbSNP rs1305429176, ClinGen allele CA377455001.

ClinVar aggregate classification (germline): Uncertain significance. Review status: criteria provided, multiple submitters, no conflicts (2 of 4 stars). 6 submissions from 6 submitters: Uncertain significance (6). Last evaluated 2025-04-24.

Conditions:
Juvenile polyposis syndrome (JPS). Identifiers: Orphanet 2929, MedGen C0345893, MONDO:0017380, OMIM 174900.
Hereditary cancer-predisposing syndrome. Also called: Tumor predisposition; Neoplastic Syndromes, Hereditary; Hereditary Cancer Syndrome; Hereditary neoplastic syndrome. Identifiers: Orphanet 140162, MedGen C0027672, MeSH D009386, MONDO:0015356.
Polyposis syndrome, hereditary mixed, 2. Identifiers: Orphanet 157794, MedGen C1864730, MONDO:0012405, OMIM 610069.

Allele frequency attached by ClinVar (database versions not stated): gnomAD exomes below 0.00001.
gnomAD v4.1: 3 of 1,613,942 alleles (0.00019%); highest among the groups gnomAD compares: Non-Finnish European, 0.00025%; no homozygotes.

Submissions (6):

Labcorp Genetics (formerly Invitae), Labcorp
Classification: Uncertain significance for Juvenile polyposis syndrome. Last evaluated: 2025-04-24. Review status: criteria provided, single submitter. Criteria: Invitae Variant Classification Sherloc (09022015). Collection method: clinical testing. Allele origin: germline.
Comment: This sequence change replaces glutamine, which is neutral and polar, with lysine, which is basic and polar, at codon 214 of the BMPR1A protein (p.Gln214Lys). This variant is present in population databases (no rsID available, gnomAD 0.0009%). This variant has not been reported in the literature in individuals affected with BMPR1A-related conditions. ClinVar contains an entry for this variant (Variation ID: 491007). Invitae Evidence Modeling of protein sequence and biophysical properties (such as structural, functional, and spatial information, amino acid conservation, physicochemical variation, residue mobility, and thermodynamic stability) indicates that this missense variant is not expected to disrupt BMPR1A protein function with a negative predictive value of 80%. In summary, the available evidence is currently insufficient to determine the role of this variant in disease. Therefore, it has been classified as a Variant of Uncertain Significance.

Ambry Genetics
Classification: Uncertain significance for Hereditary cancer-predisposing syndrome. Last evaluated: 2024-10-29. Review status: criteria provided, single submitter. Criteria: Ambry Variant Classification Scheme 2023. Collection method: clinical testing. Allele origin: germline.
Comment: The p.Q214K variant (also known as c.640C>A), located in coding exon 6 of the BMPR1A gene, results from a C to A substitution at nucleotide position 640. The glutamine at codon 214 is replaced by lysine, an amino acid with similar properties. This amino acid position is highly conserved in available vertebrate species. In addition, this alteration is predicted to be deleterious by in silico analysis. Since supporting evidence is limited at this time, the clinical significance of this alteration remains unclear.

Color Diagnostics, LLC DBA Color Health
Classification: Uncertain significance for Hereditary cancer-predisposing syndrome. Last evaluated: 2024-03-06. Review status: criteria provided, single submitter. Criteria: ACMG Guidelines, 2015. Collection method: clinical testing. Allele origin: germline.
Comment: This missense variant replaces glutamine with lysine at codon 214 of the BMPR1A protein. Computational prediction is inconclusive regarding the impact of this variant on protein structure and function (internally defined REVEL score threshold 0.5 < inconclusive < 0.7, PMID: 27666373). To our knowledge, functional studies have not been reported for this variant. This variant has not been reported in individuals affected with BMPR1A-related disorders in the literature. This variant has been identified in 1/251330 chromosomes in the general population by the Genome Aggregation Database (gnomAD). The available evidence is insufficient to determine the role of this variant in disease conclusively. Therefore, this variant is classified as a Variant of Uncertain Significance.

All of Us Research Program, National Institutes of Health
Classification: Uncertain significance for Juvenile polyposis syndrome. Last evaluated: 2023-11-02. Review status: criteria provided, single submitter. Criteria: ACMG Guidelines, 2015. Collection method: clinical testing. Allele origin: germline. Inheritance: Autosomal dominant inheritance. Observed: 1 variant allele, 1 heterozygote.
Comment: This missense variant replaces glutamine with lysine at codon 214 of the BMPR1A protein. Computational prediction is inconclusive regarding the impact of this variant on protein structure and function (internally defined REVEL score threshold 0.5 < inconclusive < 0.7, PMID: 27666373). To our knowledge, functional studies have not been reported for this variant. This variant has not been reported in individuals affected with BMPR1A-related disorders in the literature. This variant has been identified in 1/251330 chromosomes in the general population by the Genome Aggregation Database (gnomAD). The available evidence is insufficient to determine the role of this variant in disease conclusively. Therefore, this variant is classified as a Variant of Uncertain Significance.

This study involves interpretation of variants in research participants for the purpose of population health screening. Participant phenotype was not available at the time of variant classification. Additional details can be found in publication PMID: 35346344, PMCID: PMC8962531

Baylor Genetics
Classification: Uncertain significance for Polyposis syndrome, hereditary mixed, 2. Last evaluated: 2023-07-23. Review status: criteria provided, single submitter. Criteria: ACMG Guidelines, 2015. Collection method: clinical testing. Allele origin: unknown.

GeneDx
Classification: Uncertain significance. Last evaluated: 2019-09-23. Review status: criteria provided, single submitter. Criteria: GeneDx Variant Classification Process June 2021. Collection method: clinical testing. Allele origin: germline. Affected: yes.
Comment: Not observed at a significant frequency in large population cohorts (Lek 2016); In silico analysis, which includes protein predictors and evolutionary conservation, supports that this variant does not alter protein structure/function; Has not been previously published as pathogenic or benign to our knowledge